The following is an entry in ClinVar:

NM_006208.3(ENPP1):c.1756G>A (p.Gly586Arg)

Gene: ENPP1 (ectonucleotide pyrophosphatase/phosphodiesterase 1; plus strand). Cytogenetic location: 6q23.2.
Variant type: single nucleotide variant.
Coding change: c.1756G>A on transcript NM_006208.3 (MANE Select); coding-DNA position 1756, G replaced by A.
Protein change: p.Gly586Arg; replaces glycine 586 with arginine.
Molecular consequence: missense variant.
Genome position (GRCh38, 1-based): chr6:131,877,024, G>A. VCF-style: chr6-131877024-G-A. GRCh37 (hg19) VCF-style: chr6-132198164-G-A.
Other names: short protein forms G586R.
Identifiers: ClinVar variation 282087 (VCV000282087.17), dbSNP rs777367269, ClinGen allele CA10604066.

ClinVar aggregate classification (germline): Pathogenic/Likely pathogenic. Review status: criteria provided, multiple submitters, no conflicts (2 of 4 stars). 5 submissions from 5 submitters: Pathogenic (2); Likely pathogenic (1). 2 of the submissions do not count toward it. Last evaluated 2025-11-28.

Conditions:
Autosomal recessive ENPP1-related disorders.
Hypophosphatemic rickets, autosomal recessive, 2 (ARHR2). Identifiers: Orphanet 289176, MedGen C2750078, MONDO:0013219, OMIM 613312.
Arterial calcification, generalized, of infancy, 1 (GACI1). Also called: Idiopathic Infantile Arterial Calcification. Identifiers: Orphanet 51608, MedGen C4551985, MONDO:0008817, OMIM 208000.
Hypopigmentation-punctate palmoplantar keratoderma syndrome. Also called: GUTTATE HYPOPIGMENTATION AND PUNCTATE PALMOPLANTAR KERATODERMA WITH OR WITHOUT ECTOPIC CALCIFICATION; Cole disease. Identifiers: Orphanet 324561, MedGen C3809781, MONDO:0014227, OMIM 615522.
Inherited obesity. Also called: Monogenic Obesity. Identifiers: Orphanet 77828, MedGen C4054476, MONDO:0019182, OMIM 601665.
Type 2 diabetes mellitus. Also called: Type II diabetes mellitus. Identifiers: MedGen C0011860, MeSH D003924, MONDO:0005148, OMIM 125853, HP:0005978.

Allele frequency attached by ClinVar (database versions not stated): gnomAD exomes below 0.00001; gnomAD 0.00001; TOPMed 0.00001.
gnomAD v4.1: 9 of 1,613,864 alleles (0.00056%); highest among the groups gnomAD compares: African/African-American, 0.0027%; no homozygotes.

Submissions (5):

Variantyx, Inc.
Classification: Pathogenic for Autosomal recessive ENPP1-related disorders. Last evaluated: 2025-11-28. Review status: criteria provided, single submitter. Criteria: Variantyx Assertion Criteria 2022. Collection method: clinical testing. Allele origin: germline. Inheritance: Autosomal recessive inheritance.
Comment: This is a nonsynonymous variant in the ENPP1 gene (OMIM: 173335). Pathogenic variants in this gene have been associated with autosomal recessive ENPP1-related disorders. This variant has been identified in the homozygous or compound heterozygous state in the multiple affected individuals from the published literature (PMID: 22209248, 35482848, 38324408, 33465815) (PM3). Functional studies have shown that this variant alters ENPP1 protein function (PMID: 27467858, 35482848) (PS3). Multiple computational algorithms predict a deleterious effect for this variant (REVEL score: 0.912) (PP3). This variant has a 0.0027% maximum allele frequency in non-founder control populations (PM2). Based on the current evidence, this variant is classified as pathogenic for autosomal recessive ENPP1-related disorders.

Labcorp Genetics (formerly Invitae), Labcorp
Classification: Pathogenic. Last evaluated: 2025-11-16. Review status: criteria provided, single submitter. Criteria: Invitae Variant Classification Sherloc (09022015). Collection method: clinical testing. Allele origin: germline.
Comment: This sequence change replaces glycine, which is neutral and non-polar, with arginine, which is basic and polar, at codon 586 of the ENPP1 protein (p.Gly586Arg). This variant is present in population databases (no rsID available, gnomAD 0.0009%). This missense change has been observed in individual(s) with autosomal recessive ENPP1-related conditions (PMID: 22209248, 33465815, 35482848). In at least one individual the data is consistent with being in trans (on the opposite chromosome) from a pathogenic variant. ClinVar contains an entry for this variant (Variation ID: 282087). Invitae Evidence Modeling of protein sequence and biophysical properties (such as structural, functional, and spatial information, amino acid conservation, physicochemical variation, residue mobility, and thermodynamic stability) indicates that this missense variant is expected to disrupt ENPP1 protein function with a positive predictive value of 80%. Experimental studies have shown that this missense change affects ENPP1 function (PMID: 27467858, 35482848). For these reasons, this variant has been classified as Pathogenic.

Fulgent Genetics
Classification: Likely pathogenic for Type 2 diabetes mellitus; Arterial calcification, generalized, of infancy, 1; Inherited obesity; Hypophosphatemic rickets, autosomal recessive, 2; Hypopigmentation-punctate palmoplantar keratoderma syndrome. Last evaluated: 2024-05-09. Review status: criteria provided, single submitter. Criteria: ACMG Guidelines, 2015. Collection method: clinical testing. Allele origin: germline.

OMIM
Classification: Pathogenic for ARTERIAL CALCIFICATION, GENERALIZED, OF INFANCY, 1. Last evaluated: 2012-01-13. Review status: no assertion criteria provided. Collection method: literature only. Allele origin: germline. Not counted in ClinVar's aggregate classification.

Eurofins Ntd Llc (ga)
Classification: Uncertain significance. Last evaluated: 2015-08-19. Review status: flagged submission. Criteria: EGL Classification Definitions 2015. Collection method: clinical testing. Allele origin: germline. Not counted in ClinVar's aggregate classification.
ClinVar note: Reason: Older and outlier claim with insufficient supporting evidence

Literature cited by the submitters: PubMed 22209248 (cited by 3 submitters); PubMed 35482848 (cited by Variantyx, Inc. and Labcorp Genetics (formerly Invitae), Labcorp); PubMed 38324408 (cited by Variantyx, Inc.); PubMed 33465815 (cited by Variantyx, Inc. and Labcorp Genetics (formerly Invitae), Labcorp); PubMed 27467858 (cited by Labcorp Genetics (formerly Invitae), Labcorp).